The following is an entry in ClinVar:

NM_001013838.3(CARMIL2):c.3188TCT[1] (p.Phe1064del)

Gene: CARMIL2 (capping protein regulator and myosin 1 linker 2; plus strand). Cytogenetic location: 16q22.1.
Variant type: Microsatellite.
Coding change: c.3188TCT[1] on transcript NM_001013838.3 (MANE Select); one copy of the 3-base unit TCT starting at c.3188; the reference has two copies in a row; one copy, 3 bases deleted.
Protein change: p.Phe1064del; deletes phenylalanine 1064.
Genome position (GRCh38, 1-based): chr16:67,654,219-67,654,221, TCT deleted; deleting any 3 consecutive bases within chr16:67,654,215-67,654,221 gives the same sequence; the position shown is the placement nearest the transcript's 3' end. VCF-style (leftmost placement, unchanged base first): chr16-67654214-ATTC-A. GRCh37 (hg19) VCF-style: chr16-67688117-ATTC-A.
Other names: c.3080TCT[1], p.Phe1028del (NM_001317026.3, NM_001438244.1, NM_001438835.1); short protein forms F1064del, F1028del.
Identifiers: ClinVar variation 4774412 (VCV004774412.1).

ClinVar aggregate classification (germline): Uncertain significance (1 of 4 stars; one submission).

Submission:

Labcorp Genetics (formerly Invitae), Labcorp
Classification: Uncertain significance. Last evaluated: 2025-08-04. Review status: criteria provided, single submitter. Criteria: Invitae Variant Classification Sherloc (09022015). Collection method: clinical testing. Allele origin: germline.
Comment: This variant, c.3191_3193del, results in the deletion of 1 amino acid(s) of the CARMIL2 protein (p.Phe1064del), but otherwise preserves the integrity of the reading frame. This variant is present in population databases (no rsID available, gnomAD 0.007%). This variant has not been reported in the literature in individuals affected with CARMIL2-related conditions. Experimental studies and prediction algorithms are not available or were not evaluated, and the functional significance of this variant is currently unknown. In summary, the available evidence is currently insufficient to determine the role of this variant in disease. Therefore, it has been classified as a Variant of Uncertain Significance.